The following is an entry in ClinVar:

ClinVar aggregate classification (germline): Likely benign (1 of 4 stars; one submission).

Submission:

CeGaT Center for Human Genetics Tuebingen
Classification: Likely benign. Last evaluated: 2026-03-01. Review status: criteria provided, single submitter. Criteria: CeGaT Center For Human Genetics Tuebingen Variant Classification Criteria Version 2. Collection method: clinical testing. Allele origin: germline. Affected: yes. Observed: 1 variant allele.
Comment: NUTM2B: BP4, BP7

NM_001278495.2(NUTM2B):c.1977C>T (p.Asp659=)

Genes: NUTM2B-AS1 (NUTM2B antisense RNA 1; minus strand), NUTM2B (NUT family member 2B; plus strand). Cytogenetic location: 10q22.3.
Variant type: single nucleotide variant.
Coding change: c.1977C>T on transcript NM_001278495.2 (MANE Select); coding-DNA position 1977, C replaced by T.
Protein change: p.Asp659=; no amino-acid change (aspartic acid 659 retained).
Molecular consequence: synonymous variant.
Genome position (GRCh38, 1-based): chr10:79,711,825, C>T. VCF-style: chr10-79711825-C-T. GRCh37 (hg19) VCF-style: chr10-81471581-C-T.
Identifiers: ClinVar variation 4821930 (VCV004821930.4).